The following is an entry in ClinVar:

NM_020401.4(NUP107):c.885A>C (p.Val295=)

Gene: NUP107 (nucleoporin 107; plus strand). Cytogenetic location: 12q15.
Variant type: single nucleotide variant.
Coding change: c.885A>C on transcript NM_020401.4 (MANE Select); coding-DNA position 885, A replaced by C.
Protein change: p.Val295=; no amino-acid change (valine 295 retained).
Molecular consequence: synonymous variant.
Genome position (GRCh38, 1-based): chr12:68,710,088, A>C. VCF-style: chr12-68710088-A-C. GRCh37 (hg19) VCF-style: chr12-69103868-A-C.
Other names: c.798A>C, p.Val266= (NM_001330192.2); c.885A>C (NM_020401.3).
Identifiers: ClinVar variation 1922979 (VCV001922979.7), dbSNP rs375091871, ClinGen allele CA6677579.
Genomic context (GRCh38, chr12:68,710,088, plus strand): 5'-TATTGCCAAAGATGAAATTGGAGAATTTTCTGATAATATTGAGTTTTATGCAAAATCAGT[A>C]TATTGGTAAGTTACCAAACTTTAATTCTTAAGGTCACTCAATGTTGATATTGTTCATTCA-3'
Protein context (NP_065134.1, residues 285-305): SDNIEFYAKS[Val295=]YWENTLHTLK

ClinVar aggregate classification (germline): Likely benign. Review status: criteria provided, single submitter (1 of 4 stars). 2 submissions from 2 submitters: Likely benign (1). 1 of the submissions does not count toward it. Last evaluated 2025-06-12.

Conditions:
NUP107-related disorder. Also called: NUP107-related condition.

Allele frequency attached by ClinVar (database versions not stated): ExAC 0.00002; gnomAD 0.00003; ESP Exome Variant Server 0.00008.
gnomAD v4.1: 7 of 1,501,198 alleles (0.00047%); highest among the groups gnomAD compares: African/African-American, 0.0096%; no homozygotes.

Submissions (2):

Labcorp Genetics (formerly Invitae), Labcorp
Classification: Likely benign. Last evaluated: 2025-06-12. Review status: criteria provided, single submitter. Criteria: Invitae Variant Classification Sherloc (09022015). Collection method: clinical testing. Allele origin: germline.

PreventionGenetics, part of Exact Sciences
Classification: Likely benign for NUP107-related condition. Last evaluated: 2021-05-13. Review status: no assertion criteria provided. Collection method: clinical testing. Allele origin: germline. Not counted in ClinVar's aggregate classification.
Comment: This variant is classified as likely benign based on ACMG/AMP sequence variant interpretation guidelines (Richards et al. 2015 PMID: 25741868, with internal and published modifications).